The following is an entry in ClinVar:

NM_002471.4(MYH6):c.4990C>T (p.Arg1664Cys)

Genes: MYH6 (myosin heavy chain 6; minus strand), LOC126861896 (BRD4-independent group 4 enhancer GRCh37_chr14:23854904-23856103; plus strand). Cytogenetic location: 14q11.2.
Variant type: single nucleotide variant.
Coding change: c.4990C>T on transcript NM_002471.4 (MANE Select); coding-DNA position 4990, C replaced by T.
Protein change: p.Arg1664Cys; replaces arginine 1664 with cysteine.
Molecular consequence: missense variant.
Genome position (GRCh38, 1-based): chr14:23,386,101, G>A on the plus strand (C>T on the coding strand, the complement: MYH6 is on the minus strand). VCF-style: chr14-23386101-G-A. GRCh37 (hg19) VCF-style: chr14-23855310-G-A.
Other names: short protein forms R1664C.
Identifiers: ClinVar variation 839928 (VCV000839928.12), dbSNP rs780842934, ClinGen allele CA7114577.

ClinVar aggregate classification (germline): Uncertain significance. Review status: criteria provided, multiple submitters, no conflicts (2 of 4 stars). 3 submissions from 3 submitters: Uncertain significance (3). Last evaluated 2026-08-28.

Conditions:
Cardiovascular phenotype. Identifiers: MedGen CN230736.
Hypertrophic cardiomyopathy 14. Identifiers: MedGen C2750467, MONDO:0013197, OMIM 613251.
MYH6-related disorder. Also called: MYH6-Related Disorders; MYH6-related condition.

Allele frequency attached by ClinVar (database versions not stated): gnomAD 0.00001; ExAC 0.00002; gnomAD exomes 0.00002; TOPMed 0.00002.
gnomAD v4.1: 11 of 1,614,116 alleles (0.00068%); highest among the groups gnomAD compares: East Asian, 0.0022%; no homozygotes.

Submissions (3):

PreventionGenetics, part of Exact Sciences
Classification: Uncertain significance for MYH6-related condition. Last evaluated: 2026-08-28. Review status: criteria provided, single submitter. Criteria: ACMG Guidelines, 2015. Collection method: clinical testing. Allele origin: germline.
Comment: The MYH6 c.4990C>T variant is predicted to result in the amino acid substitution p.Arg1664Cys. To our knowledge, this variant has not been reported in the literature. This variant is reported in 0.0054% of alleles in individuals of East Asian descent in gnomAD. At this time, the clinical significance of this variant is uncertain due to the absence of conclusive functional and genetic evidence.

Labcorp Genetics (formerly Invitae), Labcorp
Classification: Uncertain significance for Hypertrophic cardiomyopathy 14. Last evaluated: 2025-12-15. Review status: criteria provided, single submitter. Criteria: Invitae Variant Classification Sherloc (09022015). Collection method: clinical testing. Allele origin: germline.
Comment: This sequence change replaces arginine, which is basic and polar, with cysteine, which is neutral and slightly polar, at codon 1664 of the MYH6 protein (p.Arg1664Cys). This variant is present in population databases (rs780842934, gnomAD 0.006%). This variant has not been reported in the literature in individuals affected with MYH6-related conditions. ClinVar contains an entry for this variant (Variation ID: 839928). Invitae Evidence Modeling of protein sequence and biophysical properties (such as structural, functional, and spatial information, amino acid conservation, physicochemical variation, residue mobility, and thermodynamic stability) indicates that this missense variant is not expected to disrupt MYH6 protein function with a negative predictive value of 80%. In summary, the available evidence is currently insufficient to determine the role of this variant in disease. Therefore, it has been classified as a Variant of Uncertain Significance.

Ambry Genetics
Classification: Uncertain significance for Cardiovascular phenotype. Last evaluated: 2024-07-15. Review status: criteria provided, single submitter. Criteria: Ambry Variant Classification Scheme 2023. Collection method: clinical testing. Allele origin: germline.
Comment: The p.R1664C variant (also known as c.4990C>T), located in coding exon 32 of the MYH6 gene, results from a C to T substitution at nucleotide position 4990. The arginine at codon 1664 is replaced by cysteine, an amino acid with highly dissimilar properties. This amino acid position is not well conserved in available vertebrate species. In addition, the in silico prediction for this alteration is inconclusive. Based on the available evidence, the clinical significance of this variant remains unclear.